The following is an entry in ClinVar:

ClinVar aggregate classification (germline): Uncertain significance. Review status: criteria provided, multiple submitters, no conflicts (2 of 4 stars). 2 submissions from 2 submitters: Uncertain significance (2). Last evaluated 2025-11-24.

Allele frequency attached by ClinVar (database versions not stated): gnomAD exomes 0.00001 and 0.00002; TOPMed 0.00001; ExAC 0.00002.

Submissions (2):

Ambry Genetics
Classification: Uncertain significance. Last evaluated: 2025-11-24. Review status: criteria provided, single submitter. Criteria: Ambry Variant Classification Scheme 2023. Collection method: clinical testing. Allele origin: germline.

Labcorp Genetics (formerly Invitae), Labcorp
Classification: Uncertain significance. Last evaluated: 2025-02-07. Review status: criteria provided, single submitter. Criteria: Invitae Variant Classification Sherloc (09022015). Collection method: clinical testing. Allele origin: germline.
Comment: This sequence change replaces threonine, which is neutral and polar, with proline, which is neutral and non-polar, at codon 28 of the RNF43 protein (p.Thr28Pro). This variant is present in population databases (rs747290178, gnomAD 0.01%). This variant has not been reported in the literature in individuals affected with RNF43-related conditions. ClinVar contains an entry for this variant (Variation ID: 1350615). An algorithm developed to predict the effect of missense changes on protein structure and function (PolyPhen-2) suggests that this variant is likely to be disruptive. In summary, the available evidence is currently insufficient to determine the role of this variant in disease. Therefore, it has been classified as a Variant of Uncertain Significance.

NM_017763.6(RNF43):c.82A>C (p.Thr28Pro)

Gene: RNF43 (ring finger protein 43; minus strand). Cytogenetic location: 17q22.
Variant type: single nucleotide variant.
Coding change: c.82A>C on transcript NM_017763.6 (MANE Select); coding-DNA position 82, A replaced by C.
Protein change: p.Thr28Pro; replaces threonine 28 with proline.
Molecular consequence: missense variant.
Genome position (GRCh38, 1-based): chr17:58,415,496, T>G on the plus strand (A>C on the coding strand, the complement: RNF43 is on the minus strand). VCF-style: chr17-58415496-T-G. GRCh37 (hg19) VCF-style: chr17-56492857-T-G.
Other names: c.82A>C, p.Thr28Pro (NM_001305544.3); short protein forms T28P.
Identifiers: ClinVar variation 1350615 (VCV001350615.8), dbSNP rs747290178, ClinGen allele CA8673514.